The following is an entry in ClinVar:

NM_001386795.1(DTNA):c.1646+4G>A

Gene: DTNA (dystrobrevin alpha; plus strand). Cytogenetic location: 18q12.1.
Variant type: single nucleotide variant.
Coding change: c.1646+4G>A on transcript NM_001386795.1 (MANE Select); 4 bases into the intron after coding-DNA position 1646, G replaced by A.
Molecular consequence: intron variant.
Genome position (GRCh38, 1-based): chr18:34,858,402, G>A. VCF-style: chr18-34858402-G-A. GRCh37 (hg19) VCF-style: chr18-32438366-G-A.
Other names: c.1394+4G>A (NM_032975.4, NM_001386761.1, NM_032979.5); c.1391+4G>A (NM_001386762.1); c.1475+4G>A (NM_001386754.1, NM_001386755.1, NM_001386757.1 and 4 more transcripts); c.1472+4G>A (NM_001386760.1); c.1385+4G>A (NM_001386763.1, NM_001386764.1, NM_001386771.1 and 9 more transcripts); c.1382+4G>A (NM_001386768.1, NM_001386773.1, NM_001386769.1 and 1 more transcripts); c.815+4G>A (NM_001198945.2); c.1646+4G>A (NM_001386788.1); and 7 more.
Identifiers: ClinVar variation 3666736 (VCV003666736.2).

ClinVar aggregate classification (germline): Uncertain significance (1 of 4 stars; one submission).

Conditions:
Left ventricular noncompaction 1 (LVNC1). Also called: LEFT VENTRICULAR NONCOMPACTION 1 WITH OR WITHOUT CONGENITAL HEART DEFECTS. Identifiers: Orphanet 54260, MedGen C1858725, MONDO:0011403, OMIM 604169.

gnomAD v4.1: 35 of 1,613,812 alleles (0.0022%); highest among the groups gnomAD compares: Non-Finnish European, 0.0028%; no homozygotes.

Submission:

Labcorp Genetics (formerly Invitae), Labcorp
Classification: Uncertain significance for Left ventricular noncompaction 1. Last evaluated: 2024-04-29. Review status: criteria provided, single submitter. Criteria: Invitae Variant Classification Sherloc (09022015). Collection method: clinical testing. Allele origin: germline.
Comment: This sequence change falls in intron 15 of the DTNA gene. It does not directly change the encoded amino acid sequence of the DTNA protein. It affects a nucleotide within the consensus splice site. This variant is present in population databases (rs774690555, gnomAD 0.01%). This variant has not been reported in the literature in individuals affected with DTNA-related conditions. Variants that disrupt the consensus splice site are a relatively common cause of aberrant splicing (PMID: 17576681, 9536098). Algorithms developed to predict the effect of sequence changes on RNA splicing suggest that this variant is not likely to affect RNA splicing. In summary, the available evidence is currently insufficient to determine the role of this variant in disease. Therefore, it has been classified as a Variant of Uncertain Significance.

Literature cited by the submitters: PubMed 17576681; PubMed 9536098.